The following is an entry in ClinVar:

NM_000135.4(FANCA):c.2725T>A (p.Ser909Thr)

Gene: FANCA (FA complementation group A; minus strand). Cytogenetic location: 16q24.3.
Variant type: single nucleotide variant.
Coding change: c.2725T>A on transcript NM_000135.4 (MANE Select); coding-DNA position 2725, T replaced by A.
Protein change: p.Ser909Thr; replaces serine 909 with threonine.
Molecular consequence: missense variant.
Genome position (GRCh38, 1-based): chr16:89,764,943, A>T on the plus strand (T>A on the coding strand, the complement: FANCA is on the minus strand). VCF-style: chr16-89764943-A-T. GRCh37 (hg19) VCF-style: chr16-89831351-A-T.
Other names: c.2725T>A, p.Ser909Thr (NM_001286167.3); short protein forms S909T.
Identifiers: ClinVar variation 4619273 (VCV004619273.1).

ClinVar aggregate classification (germline): Uncertain significance (1 of 4 stars; one submission).

Conditions:
Inborn genetic diseases. Identifiers: MedGen C0950123, MeSH D030342.

Submission:

Ambry Genetics
Classification: Uncertain significance for Inborn genetic diseases. Last evaluated: 2025-11-15. Review status: criteria provided, single submitter. Criteria: Ambry Variant Classification Scheme 2023. Collection method: clinical testing. Allele origin: germline.
Comment: The p.S909T variant (also known as c.2725T>A), located in coding exon 28 of the FANCA gene, results from a T to A substitution at nucleotide position 2725. The serine at codon 909 is replaced by threonine, an amino acid with similar properties. This amino acid position is conserved. In addition, this alteration is predicted to be tolerated by in silico analysis. Based on the available evidence, the clinical significance of this variant remains unclear.